The following is an entry in ClinVar:

NM_001372044.2(SHANK3):c.1668G>A (p.Ala556=)

Gene: SHANK3 (SH3 and multiple ankyrin repeat domains 3; plus strand). Cytogenetic location: 22q13.33.
Variant type: single nucleotide variant.
Coding change: c.1668G>A on transcript NM_001372044.2 (MANE Select); coding-DNA position 1668, G replaced by A.
Protein change: p.Ala556=; no amino-acid change (alanine 556 retained).
Molecular consequence: synonymous variant.
Genome position (GRCh38, 1-based): chr22:50,697,660, G>A. VCF-style: chr22-50697660-G-A. GRCh37 (hg19) VCF-style: chr22-51136088-G-A.
Identifiers: ClinVar variation 4533862 (VCV004533862.6).
Genomic context (GRCh38, chr22:50,697,660, plus strand): 5'-GGGCCCGAAGCGGAAACTTTACAGCGCCGTCCCCGGCCGCAAGTTCATCGCCGTGAAGGC[G>A]CACAGCCCGCAGGGTGAAGGCGAGATCCCGCTGCACCGCGGCGAGGCCGTGAAGGGTGAG-3'
Protein context (NP_001358973.1, residues 546-566): VPGRKFIAVK[Ala556=]HSPQGEGEIP

ClinVar aggregate classification (germline): Likely benign (1 of 4 stars; one submission).

Submission:

CeGaT Center for Human Genetics Tuebingen
Classification: Likely benign. Last evaluated: 2025-10-01. Review status: criteria provided, single submitter. Criteria: CeGaT Center For Human Genetics Tuebingen Variant Classification Criteria Version 2. Collection method: clinical testing. Allele origin: germline. Affected: yes. Observed: 1 variant allele.
Comment: SHANK3: BP4, BP7